The following is an entry in ClinVar:

ClinVar aggregate classification (germline): Uncertain significance (1 of 4 stars; one submission).

Conditions:
Developmental and epileptic encephalopathy, 9 (DEE9). Also called: EPILEPSY, FEMALE-RESTRICTED, WITH MENTAL RETARDATION; Early infantile epileptic encephalopathy 9; JUBERG-HELLMAN SYNDROME; PCDH19-Related X-Linked Female-Limited Epilepsy with Mental Retardation. Identifiers: Orphanet 101039, Orphanet 2076, MedGen C1848137, MONDO:0010246, OMIM 300088. Disease mechanism: loss of function.

Submission:

Labcorp Genetics (formerly Invitae), Labcorp
Classification: Uncertain significance for Developmental and epileptic encephalopathy, 9. Last evaluated: 2022-10-03. Review status: criteria provided, single submitter. Criteria: Invitae Variant Classification Sherloc (09022015). Collection method: clinical testing. Allele origin: germline.
Comment: Advanced modeling of protein sequence and biophysical properties (such as structural, functional, and spatial information, amino acid conservation, physicochemical variation, residue mobility, and thermodynamic stability) has been performed at Invitae for this missense variant, however the output from this modeling did not meet the statistical confidence thresholds required to predict the impact of this variant on PCDH19 protein function. In summary, the available evidence is currently insufficient to determine the role of this variant in disease. Therefore, it has been classified as a Variant of Uncertain Significance. ClinVar contains an entry for this variant (Variation ID: 1351263). This variant has not been reported in the literature in individuals affected with PCDH19-related conditions. This variant is not present in population databases (gnomAD no frequency). This sequence change replaces isoleucine, which is neutral and non-polar, with methionine, which is neutral and non-polar, at codon 148 of the PCDH19 protein (p.Ile148Met).

NM_001184880.2(PCDH19):c.444C>G (p.Ile148Met)

Gene: PCDH19 (protocadherin 19; minus strand). Cytogenetic location: Xq22.1.
Variant type: single nucleotide variant.
Coding change: c.444C>G on transcript NM_001184880.2 (MANE Select); coding-DNA position 444, C replaced by G.
Protein change: p.Ile148Met; replaces isoleucine 148 with methionine.
Molecular consequence: missense variant.
Genome position (GRCh38, 1-based): chrX:100,408,154, G>C on the plus strand (C>G on the coding strand, the complement: PCDH19 is on the minus strand). VCF-style: chrX-100408154-G-C. GRCh37 (hg19) VCF-style: chrX-99663152-G-C.
Other names: c.444C>G, p.Ile148Met (NM_001105243.2, NM_020766.3); short protein forms I148M.
Identifiers: ClinVar variation 1351263 (VCV001351263.8), dbSNP rs770381945, ClinGen allele CA414009677.